The following is an entry in ClinVar:

NM_020759.3(STARD9):c.10359G>A (p.Gln3453=)

Gene: STARD9 (StAR related lipid transfer domain containing 9; plus strand). Cytogenetic location: 15q15.2.
Variant type: single nucleotide variant.
Coding change: c.10359G>A on transcript NM_020759.3 (MANE Select); coding-DNA position 10359, G replaced by A.
Protein change: p.Gln3453=; no amino-acid change (glutamine 3453 retained).
Molecular consequence: synonymous variant.
Genome position (GRCh38, 1-based): chr15:42,691,937, G>A. VCF-style: chr15-42691937-G-A. GRCh37 (hg19) VCF-style: chr15-42984135-G-A.
Identifiers: ClinVar variation 3357017 (VCV003357017.1).
Genomic context (GRCh38, chr15:42,691,937, plus strand): 5'-CCAACAGGGAAAGCGAGAGAAACTGGGTGTCCAGGTTAGGCCAGAAAATTGGTGCTCTCA[G>A]ATGGACAAAGGAATGCTGCACTTTGGCTCCAGTGACATCAGTCCCTATGCGCTGCCGTGG-3'
Protein context (NP_065810.2, residues 3443-3463): VQVRPENWCS[Gln3453=]MDKGMLHFGS

ClinVar aggregate classification (germline): Likely benign (0 of 4 stars; one submission).

Conditions:
STARD9-related disorder. Also called: STARD9-related condition.

gnomAD v4.1: 5 of 1,537,298 alleles (0.00033%); highest among the groups gnomAD compares: East Asian, 0.0073%; no homozygotes.

Submission:

PreventionGenetics, part of Exact Sciences
Classification: Likely benign for STARD9-related condition. Last evaluated: 2019-08-30. Review status: no assertion criteria provided. Collection method: clinical testing. Allele origin: germline.
Comment: This variant is classified as likely benign based on ACMG/AMP sequence variant interpretation guidelines (Richards et al. 2015 PMID: 25741868, with internal and published modifications).